The following is an entry in ClinVar:

ClinVar aggregate classification (germline): Uncertain significance. Review status: criteria provided, multiple submitters, no conflicts (2 of 4 stars). 3 submissions from 3 submitters: Uncertain significance (3). Last evaluated 2022-10-17.

Conditions:
Rapadilino syndrome. Identifiers: Orphanet 3021, MedGen C1849453, MONDO:0009955, OMIM 266280.
Baller-Gerold syndrome (BGS). Also called: CRANIOSYNOSTOSIS WITH RADIAL DEFECTS. Identifiers: Orphanet 1225, MedGen C0265308, MONDO:0009039, OMIM 218600.
Rothmund-Thomson syndrome type 2 (RTS2). Identifiers: Orphanet 221016, MedGen C5203410, MONDO:0016369, OMIM 268400.

Allele frequency attached by ClinVar (database versions not stated): ExAC below 0.00001; gnomAD exomes 0.00001.

Submissions (3):

Labcorp Genetics (formerly Invitae), Labcorp
Classification: Uncertain significance for Baller-Gerold syndrome. Last evaluated: 2022-10-17. Review status: criteria provided, single submitter. Criteria: Invitae Variant Classification Sherloc (09022015). Collection method: clinical testing. Allele origin: germline.
Comment: This sequence change replaces valine, which is neutral and non-polar, with methionine, which is neutral and non-polar, at codon 678 of the RECQL4 protein (p.Val678Met). The frequency data for this variant in the population databases is considered unreliable, as metrics indicate poor data quality at this position in the gnomAD database. This variant has not been reported in the literature in individuals affected with RECQL4-related conditions. ClinVar contains an entry for this variant (Variation ID: 459365). Advanced modeling of protein sequence and biophysical properties (such as structural, functional, and spatial information, amino acid conservation, physicochemical variation, residue mobility, and thermodynamic stability) performed at Invitae indicates that this missense variant is expected to disrupt RECQL4 protein function. In summary, the available evidence is currently insufficient to determine the role of this variant in disease. Therefore, it has been classified as a Variant of Uncertain Significance.

GeneDx
Classification: Uncertain significance. Last evaluated: 2020-02-10. Review status: criteria provided, single submitter. Criteria: GeneDx Variant Classification Process June 2021. Collection method: clinical testing. Allele origin: germline. Affected: yes.
Comment: Not observed at a significant frequency in large population cohorts (Lek et al., 2016); In silico analysis supports that this missense variant has a deleterious effect on protein structure/function; Has not been previously published as pathogenic or benign to our knowledge

Center for Genomics, Ann and Robert H. Lurie Children's Hospital of Chicago
Classification: Uncertain significance for Baller-Gerold syndrome; Rothmund-Thomson syndrome type 2; Rapadilino syndrome. Review status: criteria provided, single submitter. Criteria: ACMG Guidelines, 2015. Collection method: clinical testing. Allele origin: germline.
Comment: This variant has not been reported in the literature but is present in the Genome Aggregation Database (Highest reported MAF 0.003% (2/67974). This variant is present in ClinVar (Variation ID:459365). Evolutionary conservation and computational predictive tools for this variant are unclear. In summary, data on this variant is insufficient for disease classification. Therefore, the clinical significance of this variant is uncertain.

NM_004260.4(RECQL4):c.2032G>A (p.Val678Met)

Gene: RECQL4 (RecQ like helicase 4; minus strand). Cytogenetic location: 8q24.3.
Variant type: single nucleotide variant.
Coding change: c.2032G>A on transcript NM_004260.4 (MANE Select); coding-DNA position 2032, G replaced by A.
Protein change: p.Val678Met; replaces valine 678 with methionine.
Molecular consequence: missense variant.
Genome position (GRCh38, 1-based): chr8:144,513,954, C>T on the plus strand (G>A on the coding strand, the complement: RECQL4 is on the minus strand). VCF-style: chr8-144513954-C-T. GRCh37 (hg19) VCF-style: chr8-145739338-C-T.
Other names: short protein forms V678M.
Identifiers: ClinVar variation 459365 (VCV000459365.8), dbSNP rs780282337, ClinGen allele CA4948539.
Genomic context (GRCh38, chr8:144,513,954, plus strand): 5'-GGCCCTGCAGGGTCCCCAGAGCACACACACCCACCTGGTCTGTGTCCCTGTCCATGGACA[C>T]GGAAAGGTGCAGGTTGGTGGGAACTGGGGCTGGCCCGTGGAGGTCAGGCTCTTCAGCCAC-3'
Protein context (NP_004251.4, residues 668-688): APVPTNLHLS[Val678Met]SMDRDTDQAL